The following is an entry in ClinVar:

NM_005609.4(PYGM):c.577G>T (p.Ala193Ser)

Gene: PYGM (glycogen phosphorylase, muscle associated; minus strand). Cytogenetic location: 11q13.1.
Variant type: single nucleotide variant.
Coding change: c.577G>T on transcript NM_005609.4 (MANE Select); coding-DNA position 577, G replaced by T.
Protein change: p.Ala193Ser; replaces alanine 193 with serine.
Molecular consequence: missense variant.
Genome position (GRCh38, 1-based): chr11:64,757,862, C>A on the plus strand (G>T on the coding strand, the complement: PYGM is on the minus strand). VCF-style: chr11-64757862-C-A. GRCh37 (hg19) VCF-style: chr11-64525334-C-A.
Other names: c.313G>T, p.Ala105Ser (NM_001164716.1); short protein forms A193S, A105S.
Identifiers: ClinVar variation 95298 (VCV000095298.63), dbSNP rs77656150, ClinGen allele CA148399.

ClinVar aggregate classification (germline): Benign/Likely benign. Review status: criteria provided, multiple submitters, no conflicts (2 of 4 stars). 10 submissions from 10 submitters: Benign (2); Likely benign (6). 2 of the submissions do not count toward it. Last evaluated 2026-08-01.

Conditions:
PYGM-related disorder. Also called: PYGM-related condition.
Glycogen storage disease, type V (GSD5). Also called: MUSCLE GLYCOGEN PHOSPHORYLASE DEFICIENCY; MYOPHOSPHORYLASE DEFICIENCY; PYGM DEFICIENCY; McArdle type glycogen storage disease; MCARDLE DISEASE. Identifiers: Orphanet 368, MedGen C0017924, MONDO:0009293, OMIM 232600.
Tip-toe gait. Also called: Toe walking. Identifiers: MedGen C0427144, HP:0030051.

Allele frequency attached by ClinVar (database versions not stated): TOPMed 0.00203; gnomAD exomes 0.00207; ESP Exome Variant Server 0.00292; 1000 Genomes Project 0.00120; ExAC 0.00202; 1000 Genomes Project 30x 0.00141; gnomAD 0.00209.
gnomAD v4.1: 5,332 of 1,614,168 alleles (0.33%); highest among the groups gnomAD compares: Non-Finnish European, 0.4%; 15 homozygotes.

Submissions (10):

CeGaT Center for Human Genetics Tuebingen
Classification: Likely benign. Last evaluated: 2026-08-01. Review status: criteria provided, single submitter. Criteria: CeGaT Center For Human Genetics Tuebingen Variant Classification Criteria Version 2. Collection method: clinical testing. Allele origin: germline. Affected: yes. Observed: 13 variant alleles.
Comment: PYGM: BS2

Labcorp Genetics (formerly Invitae), Labcorp
Classification: Likely benign for Glycogen storage disease, type V. Last evaluated: 2026-02-02. Review status: criteria provided, single submitter. Criteria: Invitae Variant Classification Sherloc (09022015). Collection method: clinical testing. Allele origin: germline.

Mayo Clinic Laboratories, Mayo Clinic
Classification: Likely benign. Last evaluated: 2025-10-20. Review status: criteria provided, single submitter. Criteria: ACMG Guidelines, 2015. Collection method: clinical testing. Allele origin: germline. Observed: 3 variant alleles.
Comment: BS1, BS2

Blueprint Genetics
Classification: Likely benign. Last evaluated: 2024-11-27. Review status: criteria provided, single submitter. Criteria: ACMG Guidelines, 2015. Collection method: clinical testing. Allele origin: germline.

Practice for Gait Abnormalities, David Pomarino, Competency Network Toe Walking C/o Practice Pomarino
Classification: Benign for Tip-toe gait. Last evaluated: 2023-08-25. Review status: criteria provided, single submitter. Criteria: Pomarino et al. (J Musculoskelet Neuronal Interact. 2026). Collection method: clinical testing. Allele origin: germline. Affected: yes.

GeneDx
Classification: Likely benign. Last evaluated: 2020-07-23. Review status: criteria provided, single submitter. Criteria: GeneDx Variant Classification Process June 2021. Collection method: clinical testing. Allele origin: germline. Affected: yes.
Comment: This variant is associated with the following publications: (PMID: 32054689)

Illumina Laboratory Services, Illumina
Classification: Likely benign for Glycogen storage disease, type V. Last evaluated: 2017-04-27. Review status: criteria provided, single submitter. Criteria: ICSL Variant Classification Criteria 13 December 2019. Collection method: clinical testing. Allele origin: germline.
Comment: This variant was observed as part of a predisposition screen in an ostensibly healthy population. A literature search was performed for the gene, cDNA change, and amino acid change (where applicable). No publications were found based on this search. Allele frequency data from public databases allowed determination this variant is unlikely to cause disease. Therefore, this variant is classified as likely benign.

Eurofins Ntd Llc (ga)
Classification: Benign. Last evaluated: 2013-02-06. Review status: criteria provided, single submitter. Criteria: EGL Classification Definitions 2015. Collection method: clinical testing. Allele origin: germline. Observed: 2 variant alleles, 2 heterozygotes.

PreventionGenetics, part of Exact Sciences
Classification: Likely benign for PYGM-related condition. Last evaluated: 2022-02-13. Review status: no assertion criteria provided. Collection method: clinical testing. Allele origin: germline. Not counted in ClinVar's aggregate classification.
Comment: This variant is classified as likely benign based on ACMG/AMP sequence variant interpretation guidelines (Richards et al. 2015 PMID: 25741868, with internal and published modifications).

Natera, Inc.
Classification: Benign for Glycogen storage disease V. Last evaluated: 2019-12-06. Review status: no assertion criteria provided. Collection method: clinical testing. Allele origin: germline. Not counted in ClinVar's aggregate classification.